The following is an entry in ClinVar:

NM_175929.3(FGF14):c.208+239747CTT[349]

Gene: FGF14 (fibroblast growth factor 14; minus strand). Cytogenetic location: 13q33.1.
Variant type: Microsatellite.
Coding change: c.208+239747CTT[349] on transcript NM_175929.3 (MANE Plus Clinical); 349 copies in a row of the 3-base unit CTT starting at c.208+239747.
Molecular consequence: intron variant.
Genome position: GRCh38, VCF-style position (the base before the change): chr13:102,161,574. GRCh37 (hg19), VCF-style position (the base before the change): chr13:102,813,924.
Other names: c.4+31313CTT[349] (NM_001321932.1, NM_001321936.1, NM_001321944.1); c.13+58973CTT[349] (NM_001321933.1, NM_001321940.1, NM_001321938.2); c.208+239747CTT[349] (NM_001321937.2, NM_001321939.2); c.-60+155912CTT[349] (NM_001321935.1); c.-60+148747CTT[349] (NM_001321934.1); c.-60+31399CTT[349] (NM_001321931.1); c.-60+44143CTT[349] (NM_001321943.1); c.-60+232034CTT[349] (NM_001321942.1); and 4 more.
Identifiers: ClinVar variation 1710296 (VCV001710296.2), dbSNP rs2047659273, ClinGen allele CA2580614762.

ClinVar aggregate classification (germline): Pathogenic (0 of 4 stars; one submission).

Conditions:
Cerebellar ataxia. Identifiers: Orphanet 102002, MedGen C0007758, MONDO:0000437.

Submission:

Neurogenetics Research; Murdoch Childrens Research Institute
Classification: Pathogenic for Ataxia. Review status: no assertion criteria provided. Collection method: case-control. Allele origin: unknown. Affected: yes. Observed: 12 variant alleles, 12 heterozygotes.
Comment: Expansion of the GAA short tandem repeat beyond 335 copies was associated with late onset ataxia. [P-value 6.0x10-8, OR 72 (95% CI=4.3-1227)],